The following is an entry in ClinVar:

NM_020812.4(DOCK6):c.4197_4198insTG (p.Val1400fs)

Genes: DOCK6 (dedicator of cytokinesis 6; minus strand), DOCK6-AS1 (DOCK6 antisense RNA 1; plus strand). Cytogenetic location: 19p13.2.
Variant type: Insertion.
Coding change: c.4197_4198insTG on transcript NM_020812.4 (MANE Select); coding-DNA positions 4197 to 4198, TG inserted.
Protein change: p.Val1400fs; shifts the reading frame from valine 1400.
Molecular consequence: frameshift variant.
Genome position: GRCh38 VCF-style: chr19-11214558-C-CCA. GRCh37 (hg19) VCF-style: chr19-11325234-C-CCA.
Other names: c.4302_4303insTG, p.Val1435fs (NM_001367830.1); short protein forms V1400fs, V1435fs.
Identifiers: ClinVar variation 4810152 (VCV004810152.1).
Genomic context (GRCh38, chr19:11,214,558, plus strand): 5'-ACAGGGCACTGCAGTTGGGCTCAGAGCACAAGGCAGATGCTGGATCAAGCCCTACCTGCA[C>CCA]GATGATCTCCAGTGTGTCCAGAACCACTAGGCTTGCCTCGGTTGCCAGGTTCCCTTCCAC-3'

ClinVar aggregate classification (germline): Pathogenic (1 of 4 stars; one submission).

Submission:

Labcorp Genetics (formerly Invitae), Labcorp
Classification: Pathogenic. Last evaluated: 2025-09-19. Review status: criteria provided, single submitter. Criteria: Invitae Variant Classification Sherloc (09022015). Collection method: clinical testing. Allele origin: germline.
Comment: This sequence change creates a premature translational stop signal (p.Val1400Trpfs*5) in the DOCK6 gene. It is expected to result in an absent or disrupted protein product. Loss-of-function variants in DOCK6 are known to be pathogenic (PMID: 21820096, 25824905). This variant is not present in population databases (gnomAD no frequency). This variant has not been reported in the literature in individuals affected with DOCK6-related conditions. For these reasons, this variant has been classified as Pathogenic.

Literature cited by the submitters: PubMed 21820096; PubMed 25824905.